The following is an entry in ClinVar:

ClinVar aggregate classification (germline): Uncertain significance (1 of 4 stars; one submission).

Conditions:
Gnathodiaphyseal dysplasia (GDD). Also called: GNATHODIAPHYSEAL SCLEROSIS; OSTEOGENESIS IMPERFECTA WITH UNUSUAL SKELETAL LESIONS. Identifiers: Orphanet 53697, MedGen C1833736, MONDO:0008151, OMIM 166260.
Autosomal recessive limb-girdle muscular dystrophy type 2L (LGMDR12). Also called: Limb-girdle muscular dystrophy, type 2L; MUSCULAR DYSTROPHY, LIMB-GIRDLE, AUTOSOMAL RECESSIVE 12; Limb-Girdle Muscular Dystrophy R12 Anoctamin-5-Related (LGMD-R12). Identifiers: Orphanet 206549, MedGen C1969785, MONDO:0012652, OMIM 611307.

Allele frequency attached by ClinVar (database versions not stated): gnomAD exomes below 0.00001; ExAC 0.00001; gnomAD 0.00001.
gnomAD v4.1: 3 of 1,613,052 alleles (0.00019%); highest among the groups gnomAD compares: African/African-American, 0.004%; no homozygotes.

Submission:

Labcorp Genetics (formerly Invitae), Labcorp
Classification: Uncertain significance for Autosomal recessive limb-girdle muscular dystrophy type 2L; Gnathodiaphyseal dysplasia. Last evaluated: 2023-06-20. Review status: criteria provided, single submitter. Criteria: Invitae Variant Classification Sherloc (09022015). Collection method: clinical testing. Allele origin: germline.
Comment: In summary, the available evidence is currently insufficient to determine the role of this variant in disease. Therefore, it has been classified as a Variant of Uncertain Significance. Variants that disrupt the consensus splice site are a relatively common cause of aberrant splicing (PMID: 17576681, 9536098). Algorithms developed to predict the effect of sequence changes on RNA splicing suggest that this variant may disrupt the consensus splice site. ClinVar contains an entry for this variant (Variation ID: 1497243). This variant has not been reported in the literature in individuals affected with ANO5-related conditions. This variant is present in population databases (rs752512585, gnomAD 0.007%). This sequence change falls in intron 7 of the ANO5 gene. It does not directly change the encoded amino acid sequence of the ANO5 protein. It affects a nucleotide within the consensus splice site.

Literature cited by the submitters: PubMed 17576681; PubMed 9536098.

NM_213599.3(ANO5):c.648+5G>A

Gene: ANO5 (anoctamin 5; plus strand). Cytogenetic location: 11p14.3.
Variant type: single nucleotide variant.
Coding change: c.648+5G>A on transcript NM_213599.3 (MANE Select); 5 bases into the intron after coding-DNA position 648, G replaced by A.
Molecular consequence: intron variant.
Genome position (GRCh38, 1-based): chr11:22,227,591, G>A. VCF-style: chr11-22227591-G-A. GRCh37 (hg19) VCF-style: chr11-22249137-G-A.
Other names: c.645+5G>A (NM_001142649.2).
Identifiers: ClinVar variation 1497243 (VCV001497243.6), dbSNP rs752512585, ClinGen allele CA5922965.